The following is an entry in ClinVar:

ClinVar aggregate classification (germline): Likely benign. Review status: reviewed by expert panel (3 of 4 stars). 10 submissions from 10 submitters: Likely benign (1). 9 of the submissions do not count toward it. Last evaluated 2025-06-24.

Conditions:
DICER1-related disorder. Also called: DICER1-related condition.
Hereditary cancer-predisposing syndrome. Also called: Tumor predisposition; Hereditary neoplastic syndrome; Hereditary Cancer Syndrome; Neoplastic Syndromes, Hereditary. Identifiers: Orphanet 140162, MedGen C0027672, MeSH D009386, MONDO:0015356.
DICER1-related tumor predisposition. Also called: DICER1 syndrome; DICER1-related pleuropulmonary blastoma cancer predisposition syndrome. Identifiers: Orphanet 284343, MedGen C3839822, MONDO:0100216.

Allele frequency attached by ClinVar (database versions not stated): gnomAD 0.00002; gnomAD exomes 0.00003 and 0.00005; TOPMed 0.00003; ExAC 0.00007; ESP Exome Variant Server 0.00008.
gnomAD v4.1: 76 of 1,612,760 alleles (0.0047%); highest among the groups gnomAD compares: South Asian, 0.0077%; no homozygotes.

Submissions (11):

ClinGen DICER1 and miRNA-Processing Gene Variant Curation Expert Panel, ClinGen
Classification: Likely benign for DICER1-related tumor predisposition. Last evaluated: 2025-06-24. Review status: reviewed by expert panel. Criteria: ClinGen DICER1 ACMG Specifications DICER1 V1.3.0. Collection method: curation. Allele origin: germline. Inheritance: Autosomal dominant inheritance.
Comment: The NM_177438.3:c.4199A>G variant in DICER1 is a missense variant predicted to cause substitution of aspartic acid by glycine at amino acid 1400 (p.Asp1400Gly). This variant has been seen in 40 or more unrelated females without tumors through age 50 in at least one testing laboratory and has been observed in a homozygous state in one healthy individual (BS2; Internal lab contributors). The total allele frequency in gnomAD v4.1.0 is 0.000047 (76/1612760 alleles) with a highest population minor allele frequency of 0.000056 (66/1179824 alleles) in the European (non-Finnish) population (PM2_Supporting, BS1, and BA1 are not met). In silico tools predict no damaging impact of the variant on protein function (REVEL: 0.142; MaxEntScan and SpliceAI: no effect on splicing) (BP4). In summary, this variant meets the criteria to be classified as Likely Benign for DICER1-related tumor predisposition based on the ACMG/AMP criteria applied, as specified by the ClinGen DICER1 VCEP: BS2, BP4. (Bayesian Points: -5; VCEP specifications version 1.3.0; 06/24/2025)

CeGaT Center for Human Genetics Tuebingen
Classification: Uncertain significance. Last evaluated: 2026-06-01. Review status: criteria provided, single submitter. Criteria: CeGaT Center For Human Genetics Tuebingen Variant Classification Criteria Version 2. Collection method: clinical testing. Allele origin: germline. Affected: yes. Observed: 1 variant allele. Not counted in ClinVar's aggregate classification.

PreventionGenetics, part of Exact Sciences
Classification: Likely benign for DICER1-related condition. Last evaluated: 2026-05-06. Review status: criteria provided, single submitter. Criteria: ACMG Guidelines, 2015. Collection method: clinical testing. Allele origin: germline. Not counted in ClinVar's aggregate classification.
Comment: This variant is classified as likely benign based on ACMG/AMP sequence variant interpretation guidelines (Richards et al. 2015 PMID: 25741868, with internal and published modifications).

Ambry Genetics
Classification: Likely benign for Hereditary cancer-predisposing syndrome. Last evaluated: 2026-04-29. Review status: criteria provided, single submitter. Criteria: Ambry Variant Classification Scheme 2023. Collection method: clinical testing. Allele origin: germline. Not counted in ClinVar's aggregate classification.

Labcorp Genetics (formerly Invitae), Labcorp
Classification: Likely benign for DICER1-related tumor predisposition. Last evaluated: 2026-01-19. Review status: criteria provided, single submitter. Criteria: Invitae Variant Classification Sherloc (09022015). Collection method: clinical testing. Allele origin: germline. Not counted in ClinVar's aggregate classification.

Quest Diagnostics Nichols Institute San Juan Capistrano
Classification: Uncertain significance. Last evaluated: 2025-07-28. Review status: criteria provided, single submitter. Criteria: Quest Diagnostics criteria. Collection method: clinical testing. Allele origin: unknown. Not counted in ClinVar's aggregate classification.
Comment: The DICER1 c.4199A>G (p.Asp1400Gly) variant has been reported in the published literature in an individual with cutaneous melanoma (PMID: 29641532 (2018)). This variant also co-occurred with a pathogenic DICER1 variant in an individual with pleuropulmonary blastoma (PMID: 30665929 (2019)). The frequency of this variant in the general population (Genome Aggregation Database) is uninformative in the assessment of its pathogenicity. Analysis of this variant using bioinformatics tools for the prediction of the effect of amino acid changes on protein structure and function yielded conflicting predictions that this variant is deleterious or benign. Based on the available information, we are unable to determine the clinical significance of this variant.

Sema4
Classification: Uncertain significance for Hereditary cancer-predisposing syndrome. Last evaluated: 2021-10-25. Review status: criteria provided, single submitter. Criteria: Sema4 Curation Guidelines. Collection method: curation. Allele origin: germline. Not counted in ClinVar's aggregate classification.
Comment: It was observed in 7/250284 chromosomes in the large and broad cohorts of the Genome Aggregation Database (PMID: 32461654). The variant has been reported in ClinVar (Variation ID 412173). Functional studies have not been performed, and in silico predictions of the variant's effect on protein function are inconclusive. There is no indication that this variant causes disease, but the evidence is insufficient currently to prove that conclusively. Thus, the clinical significance of this variant is currently uncertain.

Foulkes Cancer Genetics LDI, Lady Davis Institute for Medical Research
Classification: Likely benign. Last evaluated: 2019-07-01. Review status: criteria provided, single submitter. Criteria: ACMG Guidelines, 2015. Collection method: curation. Allele origin: germline. Affected: yes. Observed: 1 variant allele. Not counted in ClinVar's aggregate classification.
Comment: ACMG criteria met: BP1, BP2, BP4

Illumina Laboratory Services, Illumina
Classification: Likely benign for Pleuropulmonary blastoma. Last evaluated: 2018-01-13. Review status: criteria provided, single submitter. Criteria: ICSL Variant Classification Criteria 13 December 2019. Collection method: clinical testing. Allele origin: germline. Not counted in ClinVar's aggregate classification.
Comment: This variant was observed in the ICSL laboratory as part of a predisposition screen in an ostensibly healthy population. It had not been previously curated by ICSL or reported in the Human Gene Mutation Database (HGMD: prior to June 1st, 2018), and was therefore a candidate for classification through an automated scoring system. Utilizing variant allele frequency, disease prevalence and penetrance estimates, and inheritance mode, an automated score was calculated to assess if this variant is too frequent to cause the disease. Based on the score and internal cut-off values, a variant classified as likely benign is not then subjected to further curation. The score for this variant resulted in a classification of likely benign for this disease.

Department of Pathology and Laboratory Medicine, Sinai Health System
Classification: Uncertain significance. Review status: no assertion criteria provided. Collection method: clinical testing. Allele origin: unknown. Affected: yes. Study: The Canadian Open Genetics Repository (COGR). Not counted in ClinVar's aggregate classification.
Comment: The DICER1 p.Asp1400Gly variant was not identified in the literature nor was it identified in Cosmic. The variant was identified in dbSNP (ID: rs139536688), ClinVar (classified as a VUS by Invitae) and LOVD 3.0. The variant was also identified in control databases in 7 of 250284 chromosomes at a frequency of 0.000028 (Genome Aggregation Database Feb 27, 2017). The variant was observed in the following populations: Ashkenazi Jewish in 1 of 10076 chromosomes (freq: 0.000099), European (non-Finnish) in 5 of 113570 chromosomes (freq: 0.000044) and South Asian in 1 of 30606 chromosomes (freq: 0.000033), while the variant was not observed in the African, Latino, East Asian, European (Finnish), and Other populations. The p.Asp1400 residue is conserved in mammals and computational analyses (PolyPhen-2, SIFT, AlignGVGD, BLOSUM, MutationTaster) provide inconsistent predictions regarding the impact to the protein; this information is not very predictive of pathogenicity. The variant occurs outside of the splicing consensus sequence and 2 of 4 in silico or computational prediction software programs (SpliceSiteFinder, MaxEntScan) predict a greater than 10% difference in splicing and the creation of a new 5' splice site; this is not very predictive of pathogenicity. In summary, based on the above information the clinical significance of this variant cannot be determined with certainty at this time. This variant is classified as a variant of uncertain significance.

Dr. Peter K. Rogan Lab, Western University
No classification provided (evidence only). Condition: Acute myeloid leukemia. Review status: no classification provided. Collection method: in vitro. Allele origin: not applicable. Functional consequence: retained intron. Not counted in ClinVar's aggregate classification.

Literature cited by the submitters: PubMed 30665929 (cited by 4 submitters); PubMed 29641532 (cited by Quest Diagnostics Nichols Institute San Juan Capistrano).

NM_177438.3(DICER1):c.4199A>G (p.Asp1400Gly)

Gene: DICER1 (dicer 1, ribonuclease III; minus strand). Cytogenetic location: 14q32.13.
Variant type: single nucleotide variant.
Coding change: c.4199A>G on transcript NM_177438.3 (MANE Select); coding-DNA position 4199, A replaced by G.
Protein change: p.Asp1400Gly; replaces aspartic acid 1400 with glycine.
Molecular consequence: missense variant.
Genome position (GRCh38, 1-based): chr14:95,099,787, T>C on the plus strand (A>G on the coding strand, the complement: DICER1 is on the minus strand). VCF-style: chr14-95099787-T-C. GRCh37 (hg19) VCF-style: chr14-95566124-T-C.
Other names: NM_177438.3(DICER1):c.4199A>G; p.Asp1400Gly; c.4199A>G, p.Asp1400Gly (NM_001195573.1, NM_001271282.3, NM_001291628.2 and 1 more transcripts); short protein forms D1400G.
Identifiers: ClinVar variation 412173 (VCV000412173.35), dbSNP rs139536688, ClinGen allele CA7330935.
Genomic context (GRCh38, chr14:95,099,787, plus strand): 5'-CAGTTACACACACACACACACACACACACACACACACACACACACAAACTTACCATTTCA[T>C]CTTTTTCCCATTTATCTGTGTTGCTTTTGTCTTGATTTACTACATAACCAGGAGGAAGCC-3'
Protein context (NP_803187.1, residues 1390-1410): DKSNTDKWEK[Asp1400Gly]EMTKDCMLAN